The following is an entry in ClinVar:

NM_002968.3(SALL1):c.220G>A (p.Val74Ile)

Gene: SALL1 (spalt like transcription factor 1; minus strand). Cytogenetic location: 16q12.1.
Variant type: single nucleotide variant.
Coding change: c.220G>A on transcript NM_002968.3 (MANE Select); coding-DNA position 220, G replaced by A.
Protein change: p.Val74Ile; replaces valine 74 with isoleucine.
Molecular consequence: missense variant. On other transcripts: 5 prime UTR variant (1).
Genome position (GRCh38, 1-based): chr16:51,142,002, C>T on the plus strand (G>A on the coding strand, the complement: SALL1 is on the minus strand). VCF-style: chr16-51142002-C-T. GRCh37 (hg19) VCF-style: chr16-51175913-C-T.
Other names: c.-72G>A (NM_001127892.2); short protein forms V74I.
Identifiers: ClinVar variation 319619 (VCV000319619.13), dbSNP rs529479120, ClinGen allele CA8053537.
Genomic context (GRCh38, chr16:51,142,002, plus strand): 5'-GATTATCAGGAGGGGGGCTGGGGGAGAAGGTTTCGGGTGGGGAGGCTGGATTTTCATTTA[C>T]GATTAAAACTAATTGATTTTTAGTACAGTTCTTCTTGTGGAGCAGAAGATCTGATAATTC-3'
Protein context (NP_002959.2, residues 64-84): NCTKNQLVLI[Val74Ile]NENPASPPET

ClinVar aggregate classification (germline): Conflicting classifications of pathogenicity. Review status: criteria provided, conflicting classifications (1 of 4 stars). 3 submissions from 3 submitters: Uncertain significance (1); Likely benign (1). 1 of the submissions does not count toward it. Last evaluated 2026-01-06.

Conditions:
SALL1-related disorder. Also called: SALL1-related condition.
Townes syndrome (TBS). Also called: Townes-Brocks syndrome. Identifiers: Orphanet 857, MedGen C0265246, MeSH C536974, MONDO:0007142.

Allele frequency attached by ClinVar (database versions not stated): gnomAD 0.00001 and 0.00008; TOPMed 0.00003; gnomAD exomes 0.00011 and 0.00016; ExAC 0.00015.
gnomAD v4.1: 166 of 1,613,990 alleles (0.01%); highest among the groups gnomAD compares: South Asian, 0.14%; 3 homozygotes.

Submissions (3):

Labcorp Genetics (formerly Invitae), Labcorp
Classification: Likely benign for Townes syndrome. Last evaluated: 2026-01-06. Review status: criteria provided, single submitter. Criteria: Invitae Variant Classification Sherloc (09022015). Collection method: clinical testing. Allele origin: germline.

Mendelics
Classification: Uncertain significance. Last evaluated: 2022-05-04. Review status: criteria provided, single submitter. Criteria: Mendelics Assertion Criteria 2019. Collection method: clinical testing. Allele origin: germline.

PreventionGenetics, part of Exact Sciences
Classification: Likely benign for SALL1-related condition. Last evaluated: 2021-07-28. Review status: no assertion criteria provided. Collection method: clinical testing. Allele origin: germline. Not counted in ClinVar's aggregate classification.
Comment: This variant is classified as likely benign based on ACMG/AMP sequence variant interpretation guidelines (Richards et al. 2015 PMID: 25741868, with internal and published modifications).